The following is an entry in ClinVar:

ClinVar aggregate classification (germline): Likely pathogenic. Review status: criteria provided, single submitter (1 of 4 stars). 2 submissions from 2 submitters: Likely pathogenic (1). 1 of the submissions does not count toward it.

Conditions:
Tuberous sclerosis syndrome (TSC). Also called: Tuberous Sclerosis Complex; Tuberous sclerosis. Identifiers: Orphanet 805, MedGen C0041341, MONDO:0001734.
Tuberous sclerosis 2 (TSC2). Identifiers: Orphanet 805, MedGen C1860707, MONDO:0013199, OMIM 613254.

Submissions (2):

Molecular Genetics Department, Kulakov National Medical Research Center for Obstetrics, Gynecology and Perinatology
Classification: Likely pathogenic for Tuberous sclerosis 2. Review status: criteria provided, single submitter. Criteria: ACMG Guidelines, 2015. Collection method: clinical testing. Allele origin: germline. Affected: yes.
Comment: A previously undescribed nucleotide variant creates an alteration of the canonical splice site c.1361+2T>C in the TSC2 gene. Loss-of-function variants are reported in patients with Tuberous sclerosis-2, 613254. The variant is not present in population database (gnomAD no frequency). In summary, the currently available evidence indicates that the variant is pathogenic, but additional data are needed to prove that conclusively. Therefore, this variant has been classified as likely pathogenic.

Tuberous sclerosis database (TSC2)
No classification provided. Condition: TSC. Review status: no classification provided. Criteria: Tuberous Sclerosis Database Assertion Criteria 2015. Collection method: curation. Allele origin: germline. Affected: yes. Not counted in ClinVar's aggregate classification.

NM_000548.5(TSC2):c.1361+2T>C

Gene: TSC2 (TSC complex subunit 2; plus strand). Cytogenetic location: 16p13.3.
Variant type: single nucleotide variant.
Coding change: c.1361+2T>C on transcript NM_000548.5 (MANE Select); the canonical splice donor site of the intron after coding-DNA position 1361, T replaced by C.
Molecular consequence: splice donor variant.
Genome position (GRCh38, 1-based): chr16:2,062,602, T>C. VCF-style: chr16-2062602-T-C. GRCh37 (hg19) VCF-style: chr16-2112603-T-C.
Other names: c.1349+2T>C (NM_001406673.1, NM_001406671.1); c.899+2T>C (NM_001406681.1); c.1250+2T>C (NM_001406670.1, NM_001318827.2, NM_001406678.1); c.761+2T>C (NM_001406682.1, NM_001406684.1, NM_001406685.1 and 6 more transcripts); c.1304+2T>C (NM_001406677.1); c.1214+2T>C (NM_001406675.1, NM_001406676.1, NM_001318829.2 and 1 more transcripts); c.17+2T>C (NM_001406696.1, NM_001406693.1, NM_001406689.1 and 6 more transcripts); c.1394+2T>C (NM_001318832.2); and 3 more.
Identifiers: ClinVar variation 65150 (VCV000065150.3), dbSNP rs397515301, ClinGen allele CA014520.